The following is an entry in ClinVar:

ClinVar aggregate classification (germline): Likely benign. Review status: criteria provided, single submitter (1 of 4 stars). 2 submissions from 2 submitters: Likely benign (1). 1 of the submissions does not count toward it. Last evaluated 2026-03-01.

Conditions:
RAC3-related disorder. Also called: RAC3-related condition.

Allele frequency attached by ClinVar (database versions not stated): ESP Exome Variant Server 0.00023.

Submissions (2):

CeGaT Center for Human Genetics Tuebingen
Classification: Likely benign. Last evaluated: 2026-03-01. Review status: criteria provided, single submitter. Criteria: CeGaT Center For Human Genetics Tuebingen Variant Classification Criteria Version 2. Collection method: clinical testing. Allele origin: germline. Affected: yes. Observed: 2 variant alleles.
Comment: RAC3: BP4, BP7

PreventionGenetics, part of Exact Sciences
Classification: Likely benign for RAC3-related condition. Last evaluated: 2019-02-28. Review status: no assertion criteria provided. Collection method: clinical testing. Allele origin: germline. Not counted in ClinVar's aggregate classification.
Comment: This variant is classified as likely benign based on ACMG/AMP sequence variant interpretation guidelines (Richards et al. 2015 PMID: 25741868, with internal and published modifications).

NM_005052.3(RAC3):c.72G>A (p.Thr24=)

Gene: RAC3 (Rac family small GTPase 3; plus strand). Cytogenetic location: 17q25.3.
Variant type: single nucleotide variant.
Coding change: c.72G>A on transcript NM_005052.3 (MANE Select); coding-DNA position 72, G replaced by A.
Protein change: p.Thr24=; no amino-acid change (threonine 24 retained).
Molecular consequence: synonymous variant.
Genome position (GRCh38, 1-based): chr17:82,032,423, G>A. VCF-style: chr17-82032423-G-A. GRCh37 (hg19) VCF-style: chr17-79990299-G-A.
Other names: c.72G>A (NM_005052.2); c.72G>A, p.Thr24= (NM_001316307.2).
Identifiers: ClinVar variation 3025052 (VCV003025052.23), dbSNP rs147951537, ClinGen allele CA8848249.